The following is an entry in ClinVar:

ClinVar aggregate classification (germline): Pathogenic (3 of 4 stars; one submission).

Conditions:
Breast-ovarian cancer, familial, susceptibility to, 2 (BROVCA2). Also called: BRCA2 Hereditary Breast and Ovarian Cancer. Identifiers: Orphanet 145, MedGen C2675520, MONDO:0012933, OMIM 612555. Disease mechanism: loss of function.

Submission:

Evidence-based Network for the Interpretation of Germline Mutant Alleles (ENIGMA)
Classification: Pathogenic for Breast-ovarian cancer, familial, susceptibility to, 2. Last evaluated: 2016-09-08. Review status: reviewed by expert panel. Criteria: ENIGMA BRCA1/2 Classification Criteria (2015). Collection method: curation. Allele origin: germline.
Comment: Variant allele predicted to encode a truncated non-functional protein.

NM_000059.4(BRCA2):c.677del (p.Thr226fs)

Gene: BRCA2 (BRCA2 DNA repair associated; plus strand). Cytogenetic location: 13q13.1.
Variant type: Deletion.
Coding change: c.677del on transcript NM_000059.4 (MANE Select); coding-DNA position 677, one base deleted (C; older notation c.677delC).
Protein change: p.Thr226fs; shifts the reading frame from threonine 226.
Molecular consequence: frameshift variant.
Genome position (GRCh38, 1-based): chr13:32,329,488, C deleted. VCF-style (leftmost placement, unchanged base first): chr13-32329487-AC-A. GRCh37 (hg19) VCF-style: chr13-32903624-AC-A.
Other names: c.677delC (NM_000059.3); short protein forms T226fs.
Identifiers: ClinVar variation 254481 (VCV000254481.4), dbSNP rs886038055, ClinGen allele CA10586484.